The following is an entry in ClinVar:

ClinVar aggregate classification (germline): Uncertain significance. Review status: criteria provided, multiple submitters, no conflicts (2 of 4 stars). 3 submissions from 3 submitters: Uncertain significance (3). Last evaluated 2021-12-03.

Conditions:
Dilated cardiomyopathy 1DD (CMD1DD). Identifiers: Orphanet 154, MedGen C2750995, MONDO:0013168, OMIM 613172.

Allele frequency attached by ClinVar (database versions not stated): gnomAD 0.00001; gnomAD exomes 0.00001 and 0.00002; TOPMed 0.00001.

Submissions (3):

Fulgent Genetics
Classification: Uncertain significance for Dilated cardiomyopathy 1DD. Last evaluated: 2021-12-03. Review status: criteria provided, single submitter. Criteria: ACMG Guidelines, 2015. Collection method: clinical testing. Allele origin: unknown.

Labcorp Genetics (formerly Invitae), Labcorp
Classification: Uncertain significance for Dilated cardiomyopathy 1DD. Last evaluated: 2020-02-22. Review status: criteria provided, single submitter. Criteria: Invitae Variant Classification Sherloc (09022015). Collection method: clinical testing. Allele origin: germline.
Comment: In summary, the available evidence is currently insufficient to determine the role of this variant in disease. Therefore, it has been classified as a Variant of Uncertain Significance. Experimental studies and prediction algorithms are not available or were not evaluated, and the functional significance of this variant is currently unknown. This variant has not been reported in the literature in individuals with RBM20-related conditions. This variant is not present in population databases (ExAC no frequency). This variant, c.1329_1331del, results in the deletion of 1 amino acid(s) of the RBM20 protein (p.Ser444del), but otherwise preserves the integrity of the reading frame.

Juno Genomics, Hangzhou Juno Genomics, Inc
Classification: Uncertain significance for Dilated cardiomyopathy 1DD. Review status: criteria provided, single submitter. Criteria: ACMG Guidelines, 2015. Collection method: clinical testing. Allele origin: germline.
Comment: Absent from controls (or at extremely low frequency if recessive) in Genome Aggregation Database.;Protein length changes due to in-frame deletions/insertions in a non-repeat region or stop-loss variants.

NM_001134363.3(RBM20):c.1329_1331del (p.Ser444del)

Gene: RBM20 (RNA binding motif protein 20; plus strand). Cytogenetic location: 10q25.2.
Variant type: Deletion.
Coding change: c.1329_1331del on transcript NM_001134363.3 (MANE Select); coding-DNA positions 1329 to 1331, 3 bases deleted (CTC; older notation c.1329_1331delCTC).
Protein change: p.Ser444del; deletes serine 444.
Molecular consequence: inframe deletion.
Genome position (GRCh38, 1-based): chr10:110,783,419-110,783,421, CTC deleted. VCF-style (leftmost placement, unchanged base first): chr10-110783418-TCTC-T. GRCh37 (hg19) VCF-style: chr10-112543176-TCTC-T.
Other names: short protein forms S444del.
Identifiers: ClinVar variation 1023350 (VCV001023350.12), dbSNP rs1229525146, ClinGen allele CA595722984.